The following is an entry in ClinVar:

NM_001102469.2(LIPN):c.131G>C (p.Gly44Ala)

Gene: LIPN (lipase family member N; plus strand). Cytogenetic location: 10q23.31.
Variant type: single nucleotide variant.
Coding change: c.131G>C on transcript NM_001102469.2 (MANE Select); coding-DNA position 131, G replaced by C.
Protein change: p.Gly44Ala; replaces glycine 44 with alanine.
Molecular consequence: missense variant.
Genome position (GRCh38, 1-based): chr10:88,762,210, G>C. VCF-style: chr10-88762210-G-C. GRCh37 (hg19) VCF-style: chr10-90521967-G-C.
Other names: short protein forms G44A.
Identifiers: ClinVar variation 3698291 (VCV003698291.2).

ClinVar aggregate classification (germline): Uncertain significance (1 of 4 stars; one submission).

gnomAD v4.1: 6 of 1,602,312 alleles (0.00037%); highest among the groups gnomAD compares: African/African-American, 0.0013%; no homozygotes.

Submission:

Labcorp Genetics (formerly Invitae), Labcorp
Classification: Uncertain significance. Last evaluated: 2024-02-23. Review status: criteria provided, single submitter. Criteria: Invitae Variant Classification Sherloc (09022015). Collection method: clinical testing. Allele origin: germline.
Comment: This sequence change replaces glycine, which is neutral and non-polar, with alanine, which is neutral and non-polar, at codon 44 of the LIPN protein (p.Gly44Ala). This variant is not present in population databases (gnomAD no frequency). This variant has not been reported in the literature in individuals affected with LIPN-related conditions. An algorithm developed to predict the effect of missense changes on protein structure and function (PolyPhen-2) suggests that this variant is likely to be disruptive. In summary, the available evidence is currently insufficient to determine the role of this variant in disease. Therefore, it has been classified as a Variant of Uncertain Significance.